The following is an entry in ClinVar:

ClinVar aggregate classification (germline): Likely benign. Review status: criteria provided, single submitter (1 of 4 stars). 2 submissions from 2 submitters: Likely benign (1). 1 of the submissions does not count toward it. Last evaluated 2024-10-17.

Conditions:
CDK12-related disorder. Also called: CDK12-related condition.

Allele frequency attached by ClinVar (database versions not stated): gnomAD exomes 0.00002; ExAC 0.00012; ESP Exome Variant Server 0.00015; gnomAD 0.00039; TOPMed 0.00039; 1000 Genomes Project 0.00040; 1000 Genomes Project 30x 0.00047.
gnomAD v4.1: 95 of 1,614,218 alleles (0.0059%); highest among the groups gnomAD compares: African/African-American, 0.1%; no homozygotes.

Submissions (2):

Ambry Genetics
Classification: Likely benign. Last evaluated: 2024-10-17. Review status: criteria provided, single submitter. Criteria: Ambry Variant Classification Scheme 2023. Collection method: clinical testing. Allele origin: germline.

PreventionGenetics, part of Exact Sciences
Classification: Likely benign for CDK12-related condition. Last evaluated: 2019-04-29. Review status: no assertion criteria provided. Collection method: clinical testing. Allele origin: germline. Not counted in ClinVar's aggregate classification.
Comment: This variant is classified as likely benign based on ACMG/AMP sequence variant interpretation guidelines (Richards et al. 2015 PMID: 25741868, with internal and published modifications).

NM_016507.4(CDK12):c.267C>T (p.Phe89=)

Genes: CDK12 (cyclin dependent kinase 12; plus strand), LOC126862553 (CDK7 strongly-dependent group 2 enhancer GRCh37_chr17:37618166-37619365; plus strand). Cytogenetic location: 17q12.
Variant type: single nucleotide variant.
Coding change: c.267C>T on transcript NM_016507.4 (MANE Select); coding-DNA position 267, C replaced by T.
Protein change: p.Phe89=; no amino-acid change (phenylalanine 89 retained).
Molecular consequence: synonymous variant.
Genome position (GRCh38, 1-based): chr17:39,462,338, C>T. VCF-style: chr17-39462338-C-T. GRCh37 (hg19) VCF-style: chr17-37618591-C-T.
Other names: c.267C>T, p.Phe89= (NM_015083.4); c.267C>T (NM_016507.2).
Identifiers: ClinVar variation 3055556 (VCV003055556.3), dbSNP rs147574732, ClinGen allele CA8530950.
Genomic context (GRCh38, chr17:39,462,338, plus strand): 5'-TTTGGTGGAGTATGATGATATCAGCTCTGATTCCGACACCTTCTCCGATGACATGGCCTT[C>T]AAACTAGACCGAAGGGAGAACGACGAACGTCGTGGATCAGATCGGAGCGACCGCCTGCAC-3'
Protein context (NP_057591.2, residues 79-99): DSDTFSDDMA[Phe89=]KLDRRENDER